The following is an entry in ClinVar:

ClinVar aggregate classification (germline): Uncertain significance (1 of 4 stars; one submission).

Conditions:
Catecholaminergic polymorphic ventricular tachycardia 1. Also called: VENTRICULAR TACHYCARDIA, CATECHOLAMINERGIC POLYMORPHIC, 1, WITH OR WITHOUT ATRIAL DYSFUNCTION AND/OR DILATED CARDIOMYOPATHY; VENTRICULAR TACHYCARDIA, STRESS-INDUCED POLYMORPHIC 1; RYR2-Related Catecholaminergic Polymorphic Ventricular Tachycardia. Identifiers: Orphanet 3286, MedGen C1631597, MONDO:0011484, OMIM 604772.

Submission:

Labcorp Genetics (formerly Invitae), Labcorp
Classification: Uncertain significance for Catecholaminergic polymorphic ventricular tachycardia 1. Last evaluated: 2019-10-31. Review status: criteria provided, single submitter. Criteria: Invitae Variant Classification Sherloc (09022015). Collection method: clinical testing. Allele origin: germline.
Comment: In summary, the available evidence is currently insufficient to determine the role of this variant in disease. Therefore, it has been classified as a Variant of Uncertain Significance. Nucleotide substitutions within the consensus splice site are a relatively common cause of aberrant splicing (PMID: 17576681, 9536098). Algorithms developed to predict the effect of sequence changes on RNA splicing suggest that this variant may disrupt the consensus splice site, but this prediction has not been confirmed by published transcriptional studies. This variant has not been reported in the literature in individuals with CASQ2-related conditions. This variant is not present in population databases (ExAC no frequency). This sequence change affects an acceptor splice site in the last intron (intron 10) of the CASQ2 gene. While this is not anticipated to result in nonsense mediated decay, it likely alters RNA splicing and results in a disrupted protein product.

Literature cited by the submitters: PubMed 17576681; PubMed 9536098.

NM_001232.4(CASQ2):c.1015-1G>A

Gene: CASQ2 (calsequestrin 2; minus strand). Cytogenetic location: 1p13.1.
Variant type: single nucleotide variant.
Coding change: c.1015-1G>A on transcript NM_001232.4 (MANE Select); the canonical splice acceptor site of the intron before coding-DNA position 1015, G replaced by A.
Molecular consequence: splice acceptor variant.
Genome position (GRCh38, 1-based): chr1:115,701,427, C>T on the plus strand (G>A on the coding strand, the complement: CASQ2 is on the minus strand). VCF-style: chr1-115701427-C-T. GRCh37 (hg19) VCF-style: chr1-116244048-C-T.
Identifiers: ClinVar variation 960274 (VCV000960274.9), dbSNP rs1654202571, ClinGen allele CA341766558.